The following is an entry in ClinVar:

ClinVar aggregate classification (germline): Benign. Review status: criteria provided, multiple submitters, no conflicts (2 of 4 stars). 4 submissions from 4 submitters: Benign (4). Last evaluated 2026-02-03.

Allele frequency attached by ClinVar (database versions not stated): 1000 Genomes Project 0.00419; 1000 Genomes Project 30x 0.00468; gnomAD 0.00942 and 0.00985; TOPMed 0.00969; ESP Exome Variant Server 0.00984; ExAC 0.01047; gnomAD exomes 0.01059 and 0.01283.
gnomAD v4.1: 20,171 of 1,614,094 alleles (1.2%); highest among the groups gnomAD compares: Middle Eastern, 1.6%; 164 homozygotes.

Submissions (4):

Labcorp Genetics (formerly Invitae), Labcorp
Classification: Benign. Last evaluated: 2026-02-03. Review status: criteria provided, single submitter. Criteria: Invitae Variant Classification Sherloc (09022015). Collection method: clinical testing. Allele origin: germline.

CeGaT Center for Human Genetics Tuebingen
Classification: Benign. Last evaluated: 2026-01-01. Review status: criteria provided, single submitter. Criteria: CeGaT Center For Human Genetics Tuebingen Variant Classification Criteria Version 2. Collection method: clinical testing. Allele origin: germline. Affected: yes. Observed: 4 variant alleles.
Comment: LRP6: BS1, BS2

Mayo Clinic Laboratories, Mayo Clinic
Classification: Benign. Last evaluated: 2023-03-29. Review status: criteria provided, single submitter. Criteria: ACMG Guidelines, 2015. Collection method: clinical testing. Allele origin: germline. Observed: 19 variant alleles.
Comment: BS1, BS2, BP4, BP7

Breakthrough Genomics
Classification: Benign. Review status: criteria provided, single submitter. Criteria: ACMG Guidelines, 2015. Collection method: not provided. Allele origin: germline. Inheritance: Autosomal dominant inheritance. Affected: yes.

NM_002336.3(LRP6):c.2865C>T (p.Pro955=)

Gene: LRP6 (LDL receptor related protein 6; minus strand). Cytogenetic location: 12p13.2.
Variant type: single nucleotide variant.
Coding change: c.2865C>T on transcript NM_002336.3 (MANE Select); coding-DNA position 2865, C replaced by T.
Protein change: p.Pro955=; no amino-acid change (proline 955 retained).
Molecular consequence: synonymous variant.
Genome position (GRCh38, 1-based): chr12:12,150,965, G>A on the plus strand (C>T on the coding strand, the complement: LRP6 is on the minus strand). VCF-style: chr12-12150965-G-A. GRCh37 (hg19) VCF-style: chr12-12303899-G-A.
Other names: p.Pro955=.
Identifiers: ClinVar variation 1575990 (VCV001575990.23), dbSNP rs34143723, ClinGen allele CA6455374.